The following is an entry in ClinVar:

ClinVar aggregate classification (germline): Uncertain significance. Review status: criteria provided, multiple submitters, no conflicts (2 of 4 stars). 2 submissions from 2 submitters: Uncertain significance (2). Last evaluated 2023-08-27.

Submissions (2):

Labcorp Genetics (formerly Invitae), Labcorp
Classification: Uncertain significance. Last evaluated: 2023-08-27. Review status: criteria provided, single submitter. Criteria: Invitae Variant Classification Sherloc (09022015). Collection method: clinical testing. Allele origin: germline.
Comment: ClinVar contains an entry for this variant (Variation ID: 376503). This sequence change replaces valine, which is neutral and non-polar, with leucine, which is neutral and non-polar, at codon 411 of the POLE protein (p.Val411Leu). This variant is not present in population databases (gnomAD no frequency). This missense change has been observed in individuals with colonic polyposis and colorectal cancer (PMID: 27573199; Invitae). Advanced modeling of protein sequence and biophysical properties (such as structural, functional, and spatial information, amino acid conservation, physicochemical variation, residue mobility, and thermodynamic stability) performed at Invitae indicates that this missense variant is expected to disrupt POLE protein function. Experimental studies are conflicting or provide insufficient evidence to determine the effect of this variant on POLE function (PMID: 25228659, 29352080). In summary, the available evidence is currently insufficient to determine the role of this variant in disease. Therefore, it has been classified as a Variant of Uncertain Significance.

Women's Health and Genetics/Laboratory Corporation of America, LabCorp
Classification: Uncertain significance. Last evaluated: 2021-05-17. Review status: criteria provided, single submitter. Criteria: LabCorp Variant Classification Summary - May 2015. Collection method: clinical testing. Allele origin: germline.
Comment: Variant summary: POLE c.1231G>T (p.Val411Leu) results in a conservative amino acid change located in the DNA-directed DNA polymerase, family B, exonuclease domain (IPR006133) of the encoded protein sequence. Three of five in-silico tools predict a damaging effect of the variant on protein function. The variant was absent in 250666 control chromosomes (gnomAD). To our knowledge, no germline occurrence of c.1231G>T in individuals affected with Colorectal Cancer has been reported. However, several somatic occurrences of this variant have been reported in the literature (example: PMID: 33727829, 33569431, 32810930). In 3->5 exonuclease activity assay the variant showed reduced activity compared to wild-type (Shinbrot_2014). One ClinVar submitter (evaluation after 2014) cites the variant as likely pathogenic in somatic state. Based on the evidence outlined above, the variant was classified as VUS-possibly pathogenic.

Literature cited by the submitters: PubMed 27573199 (cited by Labcorp Genetics (formerly Invitae), Labcorp); PubMed 25228659 (cited by Labcorp Genetics (formerly Invitae), Labcorp and Women's Health and Genetics/Laboratory Corporation of America, LabCorp); PubMed 29352080 (cited by Labcorp Genetics (formerly Invitae), Labcorp and Women's Health and Genetics/Laboratory Corporation of America, LabCorp).

NM_006231.4(POLE):c.1231G>T (p.Val411Leu)

Gene: POLE (DNA polymerase epsilon, catalytic subunit; minus strand). Cytogenetic location: 12q24.33.
Variant type: single nucleotide variant.
Coding change: c.1231G>T on transcript NM_006231.4 (MANE Select); coding-DNA position 1231, G replaced by T.
Protein change: p.Val411Leu; replaces valine 411 with leucine.
Molecular consequence: missense variant.
Genome position (GRCh38, 1-based): chr12:132,673,703, C>A on the plus strand (G>T on the coding strand, the complement: POLE is on the minus strand). VCF-style: chr12-132673703-C-A. GRCh37 (hg19) VCF-style: chr12-133250289-C-A.
Other names: short protein forms V411L.
Identifiers: ClinVar variation 376503 (VCV000376503.5), dbSNP rs1057519945, ClinGen allele CA16602935.
Genomic context (GRCh38, chr12:132,673,703, plus strand): 5'-TGGCCTTGGCGGCCGCCTTGAGATTATGACTGCCCACAGGAAGGTAACTGTCCCTCTTCA[C>A]CCACCTGGAAGGAGAATGAGAACAGAAGCCAGGATGATTCTAACATGCAGCCCGGGAACC-3'
Protein context (NP_006222.2, residues 401-421): QCIHMDCLRW[Val411Leu]KRDSYLPVGS